The following is an entry in ClinVar:

ClinVar aggregate classification (germline): Conflicting classifications of pathogenicity. Review status: criteria provided, conflicting classifications (1 of 4 stars). 3 submissions from 3 submitters: Uncertain significance (1); Likely benign (1). 1 of the submissions does not count toward it. Last evaluated 2025-10-01.

Conditions:
NECTIN4-related disorder. Also called: NECTIN4-related condition.
Ectodermal dysplasia-syndactyly syndrome 1 (EDSS1). Identifiers: Orphanet 247820, MedGen C3150807, MONDO:0024565, OMIM 613573.

Allele frequency attached by ClinVar (database versions not stated): ESP Exome Variant Server 0.00054; gnomAD 0.00102 and 0.00105; ExAC 0.00105; TOPMed 0.00123; 1000 Genomes Project 30x 0.00125; 1000 Genomes Project 0.00140.
gnomAD v4.1: 1,693 of 1,613,354 alleles (0.1%); highest among the groups gnomAD compares: Middle Eastern, 0.21%; no homozygotes.

Submissions (3):

Labcorp Genetics (formerly Invitae), Labcorp
Classification: Likely benign. Last evaluated: 2025-10-01. Review status: criteria provided, single submitter. Criteria: Invitae Variant Classification Sherloc (09022015). Collection method: clinical testing. Allele origin: germline.

GeneDx
Classification: Uncertain significance. Last evaluated: 2016-03-03. Review status: criteria provided, single submitter. Criteria: GeneDx Variant Classification (06012015). Collection method: clinical testing. Allele origin: germline. Affected: yes.
Comment: The R443C variant in the PVRL4 gene has not been reported previously as a pathogenic variant, nor as a benign variant, to our knowledge. This variant was not observed at any significant frequency in approximately 6500 individuals of European and African American ancestry in the NHLBI Exome Sequencing Project, indicating it is not a common benign variant in these populations. The R443C variant is a non-conservative amino acid substitution, which is likely to impact secondary protein structure as these residues differ in polarity, charge, size and/or other properties. This substitution occurs at a position that is conserved across species. In silico analysis is inconsistent in its predictions as to whether or not the variant is damaging to the protein structure/function. We interpret R443C as a variant of uncertain significance.

PreventionGenetics, part of Exact Sciences
Classification: Likely benign for NECTIN4-related condition. Last evaluated: 2022-04-07. Review status: no assertion criteria provided. Collection method: clinical testing. Allele origin: germline. Not counted in ClinVar's aggregate classification.
Comment: This variant is classified as likely benign based on ACMG/AMP sequence variant interpretation guidelines (Richards et al. 2015 PMID: 25741868, with internal and published modifications).

NM_030916.3(NECTIN4):c.1327C>T (p.Arg443Cys)

Gene: NECTIN4 (nectin cell adhesion molecule 4; minus strand). Cytogenetic location: 1q23.3.
Variant type: single nucleotide variant.
Coding change: c.1327C>T on transcript NM_030916.3 (MANE Select); coding-DNA position 1327, C replaced by T.
Protein change: p.Arg443Cys; replaces arginine 443 with cysteine.
Molecular consequence: missense variant.
Genome position (GRCh38, 1-based): chr1:161,072,867, G>A on the plus strand (C>T on the coding strand, the complement: NECTIN4 is on the minus strand). VCF-style: chr1-161072867-G-A. GRCh37 (hg19) VCF-style: chr1-161042657-G-A.
Other names: short protein forms R443C.
Identifiers: ClinVar variation 418440 (VCV000418440.14), dbSNP rs1537044, ClinGen allele CA1204817.